The following is an entry in ClinVar:

NM_001277115.2(DNAH11):c.8870C>G (p.Ala2957Gly)

Gene: DNAH11 (dynein axonemal heavy chain 11; plus strand). Cytogenetic location: 7p15.3.
Variant type: single nucleotide variant.
Coding change: c.8870C>G on transcript NM_001277115.2 (MANE Select); coding-DNA position 8870, C replaced by G.
Protein change: p.Ala2957Gly; replaces alanine 2957 with glycine.
Molecular consequence: missense variant.
Genome position (GRCh38, 1-based): chr7:21,750,294, C>G. VCF-style: chr7-21750294-C-G. GRCh37 (hg19) VCF-style: chr7-21789912-C-G.
Other names: short protein forms A2957G.
Identifiers: ClinVar variation 454716 (VCV000454716.14), dbSNP rs369875222, ClinGen allele CA4181765.

ClinVar aggregate classification (germline): Conflicting classifications of pathogenicity. Review status: criteria provided, conflicting classifications (1 of 4 stars). 5 submissions from 5 submitters: Uncertain significance (4); Benign (1). Last evaluated 2026-01-20.

Conditions:
Primary ciliary dyskinesia. Also called: Ciliary dyskinesia. Identifiers: Orphanet 244, MedGen C0008780, MONDO:0016575, HP:0012265.
Primary ciliary dyskinesia 7. Also called: CILIARY DYSKINESIA, PRIMARY, 7, WITH OR WITHOUT SITUS INVERSUS. Identifiers: Orphanet 244, MedGen C2678473, MONDO:0012748, OMIM 611884.

Allele frequency attached by ClinVar (database versions not stated): gnomAD exomes 0.00005 and 0.00006; TOPMed 0.00006; gnomAD 0.00011 and 0.00012; ExAC 0.00012; ESP Exome Variant Server 0.00025; 1000 Genomes Project 30x 0.00031; 1000 Genomes Project 0.00040.
gnomAD v4.1: 103 of 1,605,162 alleles (0.0064%); highest among the groups gnomAD compares: Middle Eastern, 0.15%; no homozygotes.

Submissions (5):

Labcorp Genetics (formerly Invitae), Labcorp
Classification: Benign for Primary ciliary dyskinesia. Last evaluated: 2026-01-20. Review status: criteria provided, single submitter. Criteria: Invitae Variant Classification Sherloc (09022015). Collection method: clinical testing. Allele origin: germline.

Women's Health and Genetics/Laboratory Corporation of America, LabCorp
Classification: Uncertain significance. Last evaluated: 2025-03-20. Review status: criteria provided, single submitter. Criteria: LabCorp Variant Classification Summary - May 2015. Collection method: clinical testing. Allele origin: germline.
Comment: Variant summary: DNAH11 c.8870C>G (p.Ala2957Gly) results in a non-conservative amino acid change in the encoded protein sequence. Two of three in-silico tools predict a benign effect of the variant on protein function. The variant allele was found at a frequency of 6.4e-05 in 234050 control chromosomes. This frequency is not significantly higher than estimated for a pathogenic variant in DNAH11 causing Primary Ciliary Dyskinesia 7, allowing no conclusion about variant significance. c.8870C>G has been reported in the literature in individuals affected with Primary Ciliary Dyskinesia 7 (Chioccioli_2019). These data do not allow any conclusion about variant significance. To our knowledge, no experimental evidence demonstrating an impact on protein function has been reported. The following publication have been ascertained in the context of this evaluation (PMID: 31116566). ClinVar contains an entry for this variant (Variation ID: 454716). Based on the evidence outlined above, the variant was classified as uncertain significance.

3billion
Classification: Uncertain significance for Primary ciliary dyskinesia 7. Last evaluated: 2024-07-25. Review status: criteria provided, single submitter. Criteria: ACMG Guidelines, 2015. Collection method: clinical testing. Allele origin: germline. Affected: yes.
Comment: The variant is observed at an extremely low frequency in the gnomAD v4.0.0 dataset (total allele frequency: 0.006%). Predicted Consequence/Location: The majority of the known disease-causing variants of this gene are variants expected to result in premature termination of the protein. In silico tool predictions suggest no damaging effect of the variant on gene or gene product [REVEL: 0.02 (<0.4); 3Cnet: 0.01 (<0.15, specificity 0.78 and negative predictive value 0.92)]. The variant has been reported as of uncertain significance(ClinVar ID: VCV000454716). Therefore, this variant is classified as VUS according to the recommendation of ACMG/AMP guideline.

Genomic Medicine Center of Excellence, King Faisal Specialist Hospital and Research Centre
Classification: Uncertain significance for Primary ciliary dyskinesia 7. Last evaluated: 2024-03-26. Review status: criteria provided, single submitter. Criteria: ACMG Guidelines, 2015. Collection method: clinical testing. Allele origin: germline.

GeneDx
Classification: Uncertain significance. Last evaluated: 2018-05-30. Review status: criteria provided, single submitter. Criteria: GeneDx Variant Classification (06012015). Collection method: clinical testing. Allele origin: germline. Affected: yes.
Comment: The A2957G variant in the DNAH11 gene has not been reported previously as a pathogenic variant, nor as a benign variant, to our knowledge. The A2957G variant is observed in 7/22694 (0.01%) alleles from individuals of African background, in large population cohorts (Lek et al., 2016). The A2957G variant is a non-conservative amino acid substitution, which is likely to impact secondary protein structure as these residues differ in polarity, charge, size and/or other properties. In-silico analyses, including protein predictors and evolutionary conservation, support that this variant does not alter protein structure/function. We interpret A2957G as a variant of uncertain significance.

Literature cited by the submitters: PubMed 31116566 (cited by Women's Health and Genetics/Laboratory Corporation of America, LabCorp).